The following is an entry in ClinVar:

NM_001166114.2(PNPLA6):c.805C>T (p.His269Tyr)

Gene: PNPLA6 (patatin like domain 6, lysophospholipase; plus strand). Cytogenetic location: 19p13.2.
Variant type: single nucleotide variant.
Coding change: c.805C>T on transcript NM_001166114.2 (MANE Select); coding-DNA position 805, C replaced by T.
Protein change: p.His269Tyr; replaces histidine 269 with tyrosine.
Molecular consequence: missense variant.
Genome position (GRCh38, 1-based): chr19:7,540,932, C>T. VCF-style: chr19-7540932-C-T. GRCh37 (hg19) VCF-style: chr19-7605818-C-T.
Other names: c.832C>T, p.His278Tyr (NM_001166111.2); c.688C>T, p.His230Tyr (NM_001166112.2, NM_001166113.1, NM_006702.5); short protein forms H230Y, H278Y, H269Y.
Identifiers: ClinVar variation 1942030 (VCV001942030.5), dbSNP rs749575342, ClinGen allele CA9139587.

ClinVar aggregate classification (germline): Uncertain significance (1 of 4 stars; one submission).

Conditions:
Hereditary spastic paraplegia 39 (SPG39). Also called: SPASTIC PARAPLEGIA 39, AUTOSOMAL RECESSIVE; Spastic Paraplegia Type 39 (SPG39). Identifiers: Orphanet 139480, MedGen C2677586, MONDO:0012787, OMIM 612020.

Allele frequency attached by ClinVar (database versions not stated): gnomAD exomes below 0.00001; TOPMed below 0.00001; ExAC 0.00001; gnomAD 0.00001.
gnomAD v4.1: 6 of 1,612,892 alleles (0.00037%); highest among the groups gnomAD compares: Non-Finnish European, 0.00051%; no homozygotes.

Submission:

Labcorp Genetics (formerly Invitae), Labcorp
Classification: Uncertain significance for Hereditary spastic paraplegia 39. Last evaluated: 2022-03-26. Review status: criteria provided, single submitter. Criteria: Invitae Variant Classification Sherloc (09022015). Collection method: clinical testing. Allele origin: germline.
Comment: This sequence change replaces histidine, which is basic and polar, with tyrosine, which is neutral and polar, at codon 230 of the PNPLA6 protein (p.His230Tyr). This variant is present in population databases (rs749575342, gnomAD 0.0009%). This variant has not been reported in the literature in individuals affected with PNPLA6-related conditions. Algorithms developed to predict the effect of missense changes on protein structure and function (SIFT, PolyPhen-2, Align-GVGD) all suggest that this variant is likely to be tolerated. In summary, the available evidence is currently insufficient to determine the role of this variant in disease. Therefore, it has been classified as a Variant of Uncertain Significance.